The following is an entry in ClinVar:

ClinVar aggregate classification (germline): Likely benign. Review status: criteria provided, multiple submitters, no conflicts (2 of 4 stars). 2 submissions from 2 submitters: Likely benign (2). Last evaluated 2026-05-01.

Allele frequency attached by ClinVar (database versions not stated): gnomAD 0.00001; gnomAD exomes 0.00002; ExAC 0.00003.
gnomAD v4.1: 26 of 1,613,958 alleles (0.0016%); highest among the groups gnomAD compares: East Asian, 0.027%; no homozygotes.

Submissions (2):

CeGaT Center for Human Genetics Tuebingen
Classification: Likely benign. Last evaluated: 2026-05-01. Review status: criteria provided, single submitter. Criteria: CeGaT Center For Human Genetics Tuebingen Variant Classification Criteria Version 2. Collection method: clinical testing. Allele origin: germline. Affected: yes. Observed: 1 variant allele.
Comment: MACF1: BP4, BP7

Labcorp Genetics (formerly Invitae), Labcorp
Classification: Likely benign. Last evaluated: 2024-02-17. Review status: criteria provided, single submitter. Criteria: Invitae Variant Classification Sherloc (09022015). Collection method: clinical testing. Allele origin: germline.

NM_001394062.1(MACF1):c.18117C>T (p.Thr6039=)

Gene: MACF1 (microtubule actin crosslinking factor 1; plus strand). Cytogenetic location: 1p34.3.
Variant type: single nucleotide variant.
Coding change: c.18117C>T on transcript NM_001394062.1 (MANE Select); coding-DNA position 18117, C replaced by T.
Protein change: p.Thr6039=; no amino-acid change (threonine 6039 retained).
Molecular consequence: synonymous variant.
Genome position (GRCh38, 1-based): chr1:39,437,905, C>T. VCF-style: chr1-39437905-C-T. GRCh37 (hg19) VCF-style: chr1-39903577-C-T.
Other names: c.6195C>T, p.Thr2065= (NM_001397473.1); c.11940C>T, p.Thr3980= (NM_012090.5).
Identifiers: ClinVar variation 2170321 (VCV002170321.6), dbSNP rs752767911, ClinGen allele CA783822.